The following is an entry in ClinVar:

NM_001379286.1(ZNF423):c.2002C>T (p.Arg668Trp)

Gene: ZNF423 (zinc finger protein 423; minus strand). Cytogenetic location: 16q12.1.
Variant type: single nucleotide variant.
Coding change: c.2002C>T on transcript NM_001379286.1 (MANE Select); coding-DNA position 2002, C replaced by T.
Protein change: p.Arg668Trp; replaces arginine 668 with tryptophan.
Molecular consequence: missense variant.
Genome position (GRCh38, 1-based): chr16:49,637,174, G>A on the plus strand (C>T on the coding strand, the complement: ZNF423 is on the minus strand). VCF-style: chr16-49637174-G-A. GRCh37 (hg19) VCF-style: chr16-49671085-G-A.
Other names: c.1798C>T, p.Arg600Trp (NM_001271620.2); c.1627C>T, p.Arg543Trp (NM_001330533.2); c.1978C>T, p.Arg660Trp (NM_015069.5); c.1978C>T (NM_015069.2); short protein forms R543W, R600W, R660W, R668W.
Identifiers: ClinVar variation 849068 (VCV000849068.10), dbSNP rs779555962, ClinGen allele CA8046588.

ClinVar aggregate classification (germline): Uncertain significance. Review status: criteria provided, multiple submitters, no conflicts (2 of 4 stars). 2 submissions from 2 submitters: Uncertain significance (2). Last evaluated 2025-06-17.

Conditions:
Nephronophthisis 14 (NPHP14). Identifiers: Orphanet 2318, MedGen C3539071, MONDO:0013916, OMIM 614844.

Allele frequency attached by ClinVar (database versions not stated): TOPMed 0.00001.
gnomAD v4.1: 24 of 1,613,686 alleles (0.0015%); highest among the groups gnomAD compares: East Asian, 0.0067%; 1 homozygote.

Submissions (2):

Ambry Genetics
Classification: Uncertain significance. Last evaluated: 2025-06-17. Review status: criteria provided, single submitter. Criteria: Ambry Variant Classification Scheme 2023. Collection method: clinical testing. Allele origin: germline.
Comment: Does not currently meet published gene-disease clinical validity criteria Based on insufficient or conflicting evidence, the clinical significance of this alteration remains unclear.

Labcorp Genetics (formerly Invitae), Labcorp
Classification: Uncertain significance for Nephronophthisis 14. Last evaluated: 2023-05-08. Review status: criteria provided, single submitter. Criteria: Invitae Variant Classification Sherloc (09022015). Collection method: clinical testing. Allele origin: germline.
Comment: This variant is present in population databases (rs779555962, gnomAD 0.01%). This sequence change replaces arginine, which is basic and polar, with tryptophan, which is neutral and slightly polar, at codon 660 of the ZNF423 protein (p.Arg660Trp). This variant has not been reported in the literature in individuals affected with ZNF423-related conditions. ClinVar contains an entry for this variant (Variation ID: 849068). Advanced modeling of protein sequence and biophysical properties (such as structural, functional, and spatial information, amino acid conservation, physicochemical variation, residue mobility, and thermodynamic stability) performed at Invitae indicates that this missense variant is not expected to disrupt ZNF423 protein function. In summary, the available evidence is currently insufficient to determine the role of this variant in disease. Therefore, it has been classified as a Variant of Uncertain Significance.

Literature cited by the submitters: PubMed 28106320 (cited by Ambry Genetics).